The following is an entry in ClinVar:

NM_005012.4(ROR1):c.721G>A (p.Val241Ile)

Gene: ROR1 (receptor tyrosine kinase like orphan receptor 1; plus strand). Cytogenetic location: 1p31.3.
Variant type: single nucleotide variant.
Coding change: c.721G>A on transcript NM_005012.4 (MANE Select); coding-DNA position 721, G replaced by A.
Protein change: p.Val241Ile; replaces valine 241 with isoleucine.
Molecular consequence: missense variant.
Genome position (GRCh38, 1-based): chr1:64,140,219, G>A. VCF-style: chr1-64140219-G-A. GRCh37 (hg19) VCF-style: chr1-64605902-G-A.
Other names: c.721G>A, p.Val241Ile (NM_001083592.2); short protein forms V241I.
Identifiers: ClinVar variation 3711103 (VCV003711103.2).
Genomic context (GRCh38, chr1:64,140,219, plus strand): 5'-CAGTTCGCCATTCCTTCCCTGTGCCACTATGCCTTCCCGTACTGCGATGAAACTTCATCC[G>A]TCCCAAAGCCCCGTGACTTGTGTCGCGATGAATGTGAAATCCTGGAGAATGTCCTGTGTC-3'
Protein context (NP_005003.2, residues 231-251): AFPYCDETSS[Val241Ile]PKPRDLCRDE

ClinVar aggregate classification (germline): Uncertain significance (1 of 4 stars; one submission).

Submission:

Labcorp Genetics (formerly Invitae), Labcorp
Classification: Uncertain significance. Last evaluated: 2025-12-22. Review status: criteria provided, single submitter. Criteria: Invitae Variant Classification Sherloc (09022015). Collection method: clinical testing. Allele origin: germline.
Comment: This sequence change replaces valine, which is neutral and non-polar, with isoleucine, which is neutral and non-polar, at codon 241 of the ROR1 protein (p.Val241Ile). This variant is present in population databases (rs371024298, gnomAD 0.02%). This variant has not been reported in the literature in individuals affected with ROR1-related conditions. ClinVar contains an entry for this variant (Variation ID: 3711103). Invitae Evidence Modeling of protein sequence and biophysical properties (such as structural, functional, and spatial information, amino acid conservation, physicochemical variation, residue mobility, and thermodynamic stability) indicates that this missense variant is not expected to disrupt ROR1 protein function with a negative predictive value of 80%. In summary, the available evidence is currently insufficient to determine the role of this variant in disease. Therefore, it has been classified as a Variant of Uncertain Significance.